The following is an entry in ClinVar:

ClinVar aggregate classification (germline): Uncertain significance (1 of 4 stars; one submission).

Submission:

GeneDx
Classification: Uncertain significance. Last evaluated: 2023-12-15. Review status: criteria provided, single submitter. Criteria: GeneDx Variant Classification Process June 2021. Collection method: clinical testing. Allele origin: germline. Affected: yes.
Comment: Has not been previously published as pathogenic or benign to our knowledge; Not observed at significant frequency in large population cohorts (gnomAD); In silico analysis supports a deleterious effect on protein structure/function

NM_017617.5(NOTCH1):c.4042_4044delinsTAT (p.Asp1348Tyr)

Gene: NOTCH1 (notch receptor 1; minus strand). Cytogenetic location: 9q34.3.
Variant type: Indel.
Coding change: c.4042_4044delinsTAT on transcript NM_017617.5 (MANE Select); coding-DNA positions 4042 to 4044, GAC replaced by TAT.
Protein change: p.Asp1348Tyr; replaces aspartic acid 1348 with tyrosine.
Molecular consequence: missense variant.
Genome position (GRCh38, 1-based): chr9:136,505,852-136,505,854, GTC replaced by ATA on the plus strand (GAC replaced by TAT on the coding strand, the reverse complement: NOTCH1 is on the minus strand). VCF-style: chr9-136505852-GTC-ATA. GRCh37 (hg19) VCF-style: chr9-139400304-GTC-ATA.
Other names: short protein forms D1348Y.
Identifiers: ClinVar variation 3365631 (VCV003365631.1).